The following is an entry in ClinVar:

NM_006648.4(WNK2):c.4204G>A (p.Ala1402Thr)

Gene: WNK2 (WNK lysine deficient protein kinase 2; plus strand). Cytogenetic location: 9q22.31.
Variant type: single nucleotide variant.
Coding change: c.4204G>A on transcript NM_006648.4 (MANE Select); coding-DNA position 4204, G replaced by A.
Protein change: p.Ala1402Thr; replaces alanine 1402 with threonine.
Molecular consequence: missense variant.
Genome position (GRCh38, 1-based): chr9:93,288,958, G>A. VCF-style: chr9-93288958-G-A. GRCh37 (hg19) VCF-style: chr9-96051240-G-A.
Other names: c.4315G>A, p.Ala1439Thr (NM_001282394.3); short protein forms A1402T, A1439T.
Identifiers: ClinVar variation 4605251 (VCV004605251.1).

ClinVar aggregate classification (germline): Uncertain significance (1 of 4 stars; one submission).

Submission:

Ambry Genetics
Classification: Uncertain significance. Last evaluated: 2025-10-14. Review status: criteria provided, single submitter. Criteria: Ambry Variant Classification Scheme 2023. Collection method: clinical testing. Allele origin: germline.
Comment: The p.A1402T variant (also known as c.4204G>A), located in coding exon 19 of the WNK2 gene, results from a G to A substitution at nucleotide position 4204. The alanine at codon 1402 is replaced by threonine, an amino acid with similar properties. This amino acid position is conserved. In addition, this alteration is predicted to be tolerated by in silico analysis. Based on the available evidence, the clinical significance of this variant remains unclear.